The following is an entry in ClinVar:

NM_000308.4(CTSA):c.254G>T (p.Gly85Val)

Gene: CTSA (cathepsin A; plus strand). Cytogenetic location: 20q13.12.
Variant type: single nucleotide variant.
Coding change: c.254G>T on transcript NM_000308.4 (MANE Select); coding-DNA position 254, G replaced by T.
Protein change: p.Gly85Val; replaces glycine 85 with valine.
Molecular consequence: missense variant. On other transcripts: non-coding transcript variant (1).
Genome position (GRCh38, 1-based): chr20:45,891,975, G>T. VCF-style: chr20-45891975-G-T. GRCh37 (hg19) VCF-style: chr20-44520614-G-T.
Other names: c.254G>T, p.Gly85Val (NM_001127695.3, NM_001167594.3); short protein forms G85V.
Identifiers: ClinVar variation 1511078 (VCV001511078.5), dbSNP rs1360623902, ClinGen allele CA409248609.

ClinVar aggregate classification (germline): Uncertain significance (1 of 4 stars; one submission).

Conditions:
Combined deficiency of sialidase AND beta galactosidase (GSL). Also called: GOLDBERG SYNDROME; NEURAMINIDASE DEFICIENCY WITH BETA-GALACTOSIDASE DEFICIENCY; NEURAMINIDASE/BETA-GALACTOSIDASE EXPRESSION; PPCA DEFICIENCY; PROTECTIVE PROTEIN/CATHEPSIN A DEFICIENCY; Galactosialidosis. Identifiers: Orphanet 351, MedGen C0268233, MONDO:0009737, OMIM 256540.

Allele frequency attached by ClinVar (database versions not stated): gnomAD exomes below 0.00001; TOPMed 0.00001.
gnomAD v4.1: 1 of 1,614,162 alleles (0.000062%); no homozygotes.

Submission:

Labcorp Genetics (formerly Invitae), Labcorp
Classification: Uncertain significance for Combined deficiency of sialidase AND beta galactosidase. Last evaluated: 2022-08-10. Review status: criteria provided, single submitter. Criteria: Invitae Variant Classification Sherloc (09022015). Collection method: clinical testing. Allele origin: germline.
Comment: This sequence change replaces glycine, which is neutral and non-polar, with valine, which is neutral and non-polar, at codon 103 of the CTSA protein (p.Gly103Val). This variant is present in population databases (no rsID available, gnomAD no frequency). This missense change has been observed in individual(s) with galactosialidosis (PMID: 18937050; Invitae). This variant is also known as Gly85Val or Gly57Val. ClinVar contains an entry for this variant (Variation ID: 1511078). Algorithms developed to predict the effect of missense changes on protein structure and function are either unavailable or do not agree on the potential impact of this missense change (SIFT: "Not Available"; PolyPhen-2: "Probably Damaging"; Align-GVGD: "Not Available"). This variant disrupts the p.Gly103 amino acid residue in CTSA. Other variant(s) that disrupt this residue have been observed in individuals with CTSA-related conditions (PMID: 12649068), which suggests that this may be a clinically significant amino acid residue. In summary, the available evidence is currently insufficient to determine the role of this variant in disease. Therefore, it has been classified as a Variant of Uncertain Significance.

Literature cited by the submitters: PubMed 18937050; PubMed 12649068.